The following is an entry in ClinVar:

ClinVar aggregate classification (germline): Uncertain significance (1 of 4 stars; one submission).

gnomAD v4.1: 2 of 1,613,398 alleles (0.00012%); highest among the groups gnomAD compares: Non-Finnish European, 0.00017%; no homozygotes.

Submission:

GeneDx
Classification: Uncertain significance. Last evaluated: 2025-06-11. Review status: criteria provided, single submitter. Criteria: GeneDx Variant Classification Process June 2021. Collection method: clinical testing. Allele origin: germline. Affected: yes.
Comment: Not observed at significant frequency in large population cohorts (gnomAD); In silico analysis suggests that this missense variant does not alter protein structure/function; Has not been previously published as pathogenic or benign to our knowledge

NM_004519.4(KCNQ3):c.1789C>A (p.Gln597Lys)

Gene: KCNQ3 (potassium voltage-gated channel subfamily Q member 3; minus strand). Cytogenetic location: 8q24.22.
Variant type: single nucleotide variant.
Coding change: c.1789C>A on transcript NM_004519.4 (MANE Select); coding-DNA position 1789, C replaced by A.
Protein change: p.Gln597Lys; replaces glutamine 597 with lysine.
Molecular consequence: missense variant.
Genome position (GRCh38, 1-based): chr8:132,134,300, G>T on the plus strand (C>A on the coding strand, the complement: KCNQ3 is on the minus strand). VCF-style: chr8-132134300-G-T. GRCh37 (hg19) VCF-style: chr8-133146547-G-T.
Other names: c.1429C>A, p.Gln477Lys (NM_001204824.2); short protein forms Q477K, Q597K.
Identifiers: ClinVar variation 4537682 (VCV004537682.1).
Genomic context (GRCh38, chr8:132,134,300, plus strand): 5'-TTTACAAACTTTGCACCCCTGGCCCATCAGTCCATGTCCACTGGCCCCACCTGGGAGATT[G>T]CTGGGATGGGAAGGTGAATGCTGACCCTTTCTGAGACTTCTTGTGTTTTGGCGTGGAGGG-3'
Protein context (NP_004510.1, residues 587-607): KGSAFTFPSQ[Gln597Lys]SPRNEPYVAR